The following is an entry in ClinVar:

ClinVar aggregate classification (germline): Likely benign (1 of 4 stars; one submission).

Allele frequency attached by ClinVar (database versions not stated): gnomAD 0.00991 and 0.01032; TOPMed 0.01093; 1000 Genomes Project 0.01318; 1000 Genomes Project 30x 0.01468.
gnomAD v4.1: 1,503 of 152,106 alleles (0.99%); highest among the groups gnomAD compares: African/African-American, 3.2%; 28 homozygotes.

Submission:

GeneDx
Classification: Likely benign. Last evaluated: 2018-06-16. Review status: criteria provided, single submitter. Criteria: GeneDx Variant Classification (06012015). Collection method: clinical testing. Allele origin: germline. Affected: yes.
Comment: This variant is considered likely benign or benign based on one or more of the following criteria: it is a conservative change, it occurs at a poorly conserved position in the protein, it is predicted to be benign by multiple in silico algorithms, and/or has population frequency not consistent with disease.

NM_001035.3(RYR2):c.2614-336A>G

Gene: RYR2 (ryanodine receptor 2; plus strand). Cytogenetic location: 1q43.
Variant type: single nucleotide variant.
Coding change: c.2614-336A>G on transcript NM_001035.3 (MANE Select); 336 bases into the intron before coding-DNA position 2614, A replaced by G.
Molecular consequence: intron variant.
Genome position (GRCh38, 1-based): chr1:237,506,374, A>G. VCF-style: chr1-237506374-A-G. GRCh37 (hg19) VCF-style: chr1-237669674-A-G.
Identifiers: ClinVar variation 673371 (VCV000673371.1), dbSNP rs371360708, ClinGen allele CA39781948.